The following is an entry in ClinVar:

ClinVar aggregate classification (germline): Uncertain significance (1 of 4 stars; one submission).

Conditions:
Hereditary pancreatitis (PCTT). Also called: Hereditary chronic pancreatitis; PRSS1-Related Hereditary Pancreatitis. Identifiers: Orphanet 676, MedGen C0238339, MONDO:0008185, OMIM 167800.

Submission:

Ambry Genetics
Classification: Uncertain significance for Hereditary pancreatitis. Last evaluated: 2025-08-20. Review status: criteria provided, single submitter. Criteria: Ambry Variant Classification Scheme 2023. Collection method: clinical testing. Allele origin: germline.
Comment: The p.L10F variant (also known as c.28C>T), located in coding exon 1 of the CTRC gene, results from a C to T substitution at nucleotide position 28. The leucine at codon 10 is replaced by phenylalanine, an amino acid with highly similar properties. This amino acid position is conserved. In addition, this alteration is predicted to be tolerated by in silico analysis. Based on the available evidence, the clinical significance of this variant remains unclear.

NM_007272.3(CTRC):c.28C>T (p.Leu10Phe)

Gene: CTRC (chymotrypsin C; plus strand). Cytogenetic location: 1p36.21.
Variant type: single nucleotide variant.
Coding change: c.28C>T on transcript NM_007272.3 (MANE Select); coding-DNA position 28, C replaced by T.
Protein change: p.Leu10Phe; replaces leucine 10 with phenylalanine.
Molecular consequence: missense variant.
Genome position (GRCh38, 1-based): chr1:15,438,492, C>T. VCF-style: chr1-15438492-C-T. GRCh37 (hg19) VCF-style: chr1-15764988-C-T.
Other names: short protein forms L10F.
Identifiers: ClinVar variation 4235805 (VCV004235805.1).